The following is an entry in ClinVar:

ClinVar aggregate classification (germline): Conflicting classifications of pathogenicity. Review status: criteria provided, conflicting classifications (1 of 4 stars). 2 submissions from 2 submitters: Uncertain significance (1); Likely benign (1). Last evaluated 2024-10-18.

Conditions:
Mitochondrial complex II deficiency, nuclear type 1. Also called: SUCCINATE CoQ REDUCTASE DEFICIENCY. Identifiers: Orphanet 3208, MedGen C5700310, MONDO:0100294, OMIM 252011.
Pheochromocytoma/paraganglioma syndrome 5. Also called: Paragangliomas 5; SDHA-Related Hereditary Paraganglioma-Pheochromocytoma Syndrome. Identifiers: Orphanet 29072, MedGen C3279992, MONDO:0013602, OMIM 614165.
Hereditary cancer-predisposing syndrome. Also called: Hereditary Cancer Syndrome; Neoplastic Syndromes, Hereditary; Tumor predisposition; Hereditary neoplastic syndrome. Identifiers: Orphanet 140162, MedGen C0027672, MeSH D009386, MONDO:0015356.

gnomAD v4.1: 3 of 1,602,498 alleles (0.00019%); highest among the groups gnomAD compares: Non-Finnish European, 0.00026%; no homozygotes.

Submissions (2):

Ambry Genetics
Classification: Likely benign for Hereditary cancer-predisposing syndrome. Last evaluated: 2024-10-18. Review status: criteria provided, single submitter. Criteria: Ambry Variant Classification Scheme 2023. Collection method: clinical testing. Allele origin: germline.

Labcorp Genetics (formerly Invitae), Labcorp
Classification: Uncertain significance for Pheochromocytoma/paraganglioma syndrome 5; Mitochondrial complex II deficiency, nuclear type 1. Last evaluated: 2019-10-13. Review status: criteria provided, single submitter. Criteria: Invitae Variant Classification Sherloc (09022015). Collection method: clinical testing. Allele origin: germline.
Comment: In summary, the available evidence is currently insufficient to determine the role of this variant in disease. Therefore, it has been classified as a Variant of Uncertain Significance. This variant is not present in population databases (ExAC no frequency). This sequence change replaces serine with asparagine at codon 514 of the SDHA protein (p.Ser514Asn). The serine residue is weakly conserved and there is a small physicochemical difference between serine and asparagine. This variant has not been reported in the literature in individuals with SDHA-related conditions. Algorithms developed to predict the effect of missense changes on protein structure and function output the following: SIFT: "Tolerated"; PolyPhen-2: "Benign"; Align-GVGD: "Class C0". The asparagine amino acid residue is found in multiple mammalian species, suggesting that this missense change does not adversely affect protein function. These predictions have not been confirmed by published functional studies and their clinical significance is uncertain.

NM_004168.4(SDHA):c.1541G>A (p.Ser514Asn)

Gene: SDHA (succinate dehydrogenase complex flavoprotein subunit A; plus strand). Cytogenetic location: 5p15.33.
Variant type: single nucleotide variant.
Coding change: c.1541G>A on transcript NM_004168.4 (MANE Select); coding-DNA position 1541, G replaced by A.
Protein change: p.Ser514Asn; replaces serine 514 with asparagine.
Molecular consequence: missense variant.
Genome position (GRCh38, 1-based): chr5:240,466, G>A. VCF-style: chr5-240466-G-A. GRCh37 (hg19) VCF-style: chr5-240581-G-A.
Other names: c.1541G>A (NM_004168.2); c.1397G>A, p.Ser466Asn (NM_001294332.2); c.1541G>A, p.Ser514Asn (NM_001330758.2); short protein forms S466N, S514N.
Identifiers: ClinVar variation 966611 (VCV000966611.11), dbSNP rs587781729, ClinGen allele CA359014383.
Genomic context (GRCh38, chr5:240,466, plus strand): 5'-TGAATCTTGACAAATTGAGATTTGCTGATGGAAGCATAAGAACATCGGAACTGCGACTCA[G>A]CATGCAGAAGGTAAGAGCCTGGACTCGCTCTGGAGTGAGCAGGAGGGCTGCATACCTGGC-3'
Protein context (NP_004159.2, residues 504-524): GSIRTSELRL[Ser514Asn]MQKSMQNHAA